The following is an entry in ClinVar:

NM_000404.4(GLB1):c.1223A>G (p.Gln408Arg)

Gene: GLB1 (galactosidase beta 1; minus strand). Cytogenetic location: 3p22.3.
Variant type: single nucleotide variant.
Coding change: c.1223A>G on transcript NM_000404.4 (MANE Select); coding-DNA position 1223, A replaced by G.
Protein change: p.Gln408Arg; replaces glutamine 408 with arginine.
Molecular consequence: missense variant.
Genome position (GRCh38, 1-based): chr3:33,021,576, T>C on the plus strand (A>G on the coding strand, the complement: GLB1 is on the minus strand). VCF-style: chr3-33021576-T-C. GRCh37 (hg19) VCF-style: chr3-33063068-T-C.
Other names: c.1133A>G, p.Gln378Arg (NM_001079811.3); c.830A>G, p.Gln277Arg (NM_001135602.3); c.1367A>G, p.Gln456Arg (NM_001317040.2); c.1223A>G, p.Gln408Arg (NM_001393580.1); short protein forms Q456R, Q408R, Q378R, Q277R.
Identifiers: ClinVar variation 1399203 (VCV001399203.7), dbSNP rs72555369, ClinGen allele CA351992863.

ClinVar aggregate classification (germline): Uncertain significance. Review status: criteria provided, multiple submitters, no conflicts (2 of 4 stars). 2 submissions from 2 submitters: Uncertain significance (2). Last evaluated 2024-07-01.

Conditions:
Mucopolysaccharidosis, MPS-IV-B (MPS4B). Also called: MORQUIO SYNDROME B; Mucopolysaccharidosis Type IVB (Morquio B Disease); Mucopolysaccharidosis type 4B; Mucopolysaccharidosis type IVB (Morquio); MPS IVB; Mucopolysaccharidosis type IV B. Identifiers: Orphanet 309310, Orphanet 582, MedGen C0086652, MONDO:0009660, OMIM 253010.
GM1 gangliosidosis. Identifiers: Orphanet 354, MedGen C0085131, MONDO:0018149.

Allele frequency attached by ClinVar (database versions not stated): gnomAD exomes below 0.00001; TOPMed 0.00001.
gnomAD v4.1: 1 of 1,613,886 alleles (0.000062%); highest among the groups gnomAD compares: Non-Finnish European, 0.000085%; no homozygotes.

Submissions (2):

Women's Health and Genetics/Laboratory Corporation of America, LabCorp
Classification: Uncertain significance. Last evaluated: 2024-07-01. Review status: criteria provided, single submitter. Criteria: LabCorp Variant Classification Summary - May 2015. Collection method: clinical testing. Allele origin: germline.

Labcorp Genetics (formerly Invitae), Labcorp
Classification: Uncertain significance for Mucopolysaccharidosis, MPS-IV-B; GM1 gangliosidosis. Last evaluated: 2022-04-26. Review status: criteria provided, single submitter. Criteria: Invitae Variant Classification Sherloc (09022015). Collection method: clinical testing. Allele origin: germline.
Comment: In summary, the available evidence is currently insufficient to determine the role of this variant in disease. Therefore, it has been classified as a Variant of Uncertain Significance. Algorithms developed to predict the effect of sequence changes on RNA splicing suggest that this variant may create or strengthen a splice site. Advanced modeling of protein sequence and biophysical properties (such as structural, functional, and spatial information, amino acid conservation, physicochemical variation, residue mobility, and thermodynamic stability) performed at Invitae indicates that this missense variant is expected to disrupt GLB1 protein function. This variant has not been reported in the literature in individuals affected with GLB1-related conditions. This variant is not present in population databases (gnomAD no frequency). This sequence change replaces glutamine, which is neutral and polar, with arginine, which is basic and polar, at codon 408 of the GLB1 protein (p.Gln408Arg).